The following is an entry in ClinVar:

ClinVar aggregate classification (germline): Likely benign. Review status: criteria provided, multiple submitters, no conflicts (2 of 4 stars). 2 submissions from 2 submitters: Likely benign (2). Last evaluated 2026-01-27.

Conditions:
HPS6-related disorder. Also called: HPS6-related condition.

Allele frequency attached by ClinVar (database versions not stated): 1000 Genomes Project 30x 0.00016; ExAC 0.00019; 1000 Genomes Project 0.00020.
gnomAD v4.1: 148 of 1,613,930 alleles (0.0092%); highest among the groups gnomAD compares: South Asian, 0.15%; 2 homozygotes.

Submissions (2):

Labcorp Genetics (formerly Invitae), Labcorp
Classification: Likely benign. Last evaluated: 2026-01-27. Review status: criteria provided, single submitter. Criteria: Invitae Variant Classification Sherloc (09022015). Collection method: clinical testing. Allele origin: germline.

PreventionGenetics, part of Exact Sciences
Classification: Likely benign for HPS6-related condition. Last evaluated: 2025-11-14. Review status: criteria provided, single submitter. Criteria: ACMG Guidelines, 2015. Collection method: clinical testing. Allele origin: germline.
Comment: This variant is classified as likely benign based on ACMG/AMP sequence variant interpretation guidelines (Richards et al. 2015 PMID: 25741868, with internal and published modifications).

NM_024747.6(HPS6):c.2145G>C (p.Glu715Asp)

Gene: HPS6 (HPS6 biogenesis of lysosomal organelles complex 2 subunit 3; plus strand). Cytogenetic location: 10q24.32.
Variant type: single nucleotide variant.
Coding change: c.2145G>C on transcript NM_024747.6 (MANE Select); coding-DNA position 2145, G replaced by C.
Protein change: p.Glu715Asp; replaces glutamic acid 715 with aspartic acid.
Molecular consequence: missense variant.
Genome position (GRCh38, 1-based): chr10:102,067,619, G>C. VCF-style: chr10-102067619-G-C. GRCh37 (hg19) VCF-style: chr10-103827376-G-C.
Other names: c.2145G>C (NM_024747.5); short protein forms E715D.
Identifiers: ClinVar variation 1646162 (VCV001646162.9), dbSNP rs543325519, ClinGen allele CA5660112.
Genomic context (GRCh38, chr10:102,067,619, plus strand): 5'-CCCACCAGAACTGGCTCCAGCTGAGCTCCTGCTTCTACTGAGGACATACCTCCCAGATGA[G>C]GTGGGGCCCCCAACCCCATTCCCTGAGCCTGGAGCAGAGCCCCCTCTCACTGTGGGCTTG-3'
Protein context (NP_079023.2, residues 705-725): LLLLRTYLPD[Glu715Asp]VGPPTPFPEP